The following is an entry in ClinVar:

ClinVar aggregate classification (germline): Uncertain significance (1 of 4 stars; one submission).

Conditions:
Myopathy, centronuclear, 2 (CNM2). Also called: MYOTUBULAR MYOPATHY, AUTOSOMAL RECESSIVE. Identifiers: Orphanet 169186, MedGen CN031787, MONDO:0009709, OMIM 255200.

Submission:

Labcorp Genetics (formerly Invitae), Labcorp
Classification: Uncertain significance for Myopathy, centronuclear, 2. Last evaluated: 2022-05-21. Review status: criteria provided, single submitter. Criteria: Invitae Variant Classification Sherloc (09022015). Collection method: clinical testing. Allele origin: germline.
Comment: In summary, the available evidence is currently insufficient to determine the role of this variant in disease. Therefore, it has been classified as a Variant of Uncertain Significance. Algorithms developed to predict the effect of missense changes on protein structure and function (SIFT, PolyPhen-2, Align-GVGD) all suggest that this variant is likely to be tolerated. This variant has not been reported in the literature in individuals affected with BIN1-related conditions. This variant is not present in population databases (gnomAD no frequency). This sequence change replaces serine, which is neutral and polar, with asparagine, which is neutral and polar, at codon 403 of the BIN1 protein (p.Ser403Asn).

NM_139343.3(BIN1):c.1208G>A (p.Ser403Asn)

Gene: BIN1 (bridging integrator 1; minus strand). Cytogenetic location: 2q14.3.
Variant type: single nucleotide variant.
Coding change: c.1208G>A on transcript NM_139343.3 (MANE Select); coding-DNA position 1208, G replaced by A.
Protein change: p.Ser403Asn; replaces serine 403 with asparagine.
Molecular consequence: missense variant. On other transcripts: intron variant (12).
Genome position (GRCh38, 1-based): chr2:127,053,936, C>T on the plus strand (G>A on the coding strand, the complement: BIN1 is on the minus strand). VCF-style: chr2-127053936-C-T. GRCh37 (hg19) VCF-style: chr2-127811512-C-T.
Other names: c.1115G>A, p.Ser372Asn (NM_001320641.2); c.1127G>A, p.Ser376Asn (NM_001320642.1); c.1079G>A, p.Ser360Asn (NM_139344.3); c.838-3024G>A (NM_001320634.1); c.910-3024G>A (NM_139351.3); c.910-2693G>A (NM_139350.3); c.910-1574G>A (NM_139349.3); c.1039-2693G>A (NM_139348.3); and 7 more; short protein forms S360N, S372N, S376N, S403N.
Identifiers: ClinVar variation 1997712 (VCV001997712.4), dbSNP rs1404506894, ClinGen allele CA348376846.